The following is an entry in ClinVar:

NM_000755.5(CRAT):c.1046C>T (p.Pro349Leu)

Gene: CRAT (carnitine O-acetyltransferase; minus strand). Cytogenetic location: 9q34.11.
Variant type: single nucleotide variant.
Coding change: c.1046C>T on transcript NM_000755.5 (MANE Select); coding-DNA position 1046, C replaced by T.
Protein change: p.Pro349Leu; replaces proline 349 with leucine.
Molecular consequence: missense variant.
Genome position (GRCh38, 1-based): chr9:129,099,905, G>A on the plus strand (C>T on the coding strand, the complement: CRAT is on the minus strand). VCF-style: chr9-129099905-G-A. GRCh37 (hg19) VCF-style: chr9-131862184-G-A.
Other names: c.983C>T, p.Pro328Leu (NM_001257363.3, NM_001346548.2, NM_004003.4); c.1049C>T, p.Pro350Leu (NM_001346546.2); c.1046C>T, p.Pro349Leu (NM_001346547.2); c.926C>T, p.Pro309Leu (NM_001346549.2); c.1046C>T (NM_000755.3); short protein forms P309L, P328L, P349L, P350L.
Identifiers: ClinVar variation 3606056 (VCV003606056.3).

ClinVar aggregate classification (germline): Uncertain significance. Review status: criteria provided, multiple submitters, no conflicts (2 of 4 stars). 2 submissions from 2 submitters: Uncertain significance (2). Last evaluated 2025-05-13.

gnomAD v4.1: 31 of 1,613,652 alleles (0.0019%); highest among the groups gnomAD compares: Non-Finnish European, 0.0026%; no homozygotes.

Submissions (2):

Ambry Genetics
Classification: Uncertain significance. Last evaluated: 2025-05-13. Review status: criteria provided, single submitter. Criteria: Ambry Variant Classification Scheme 2023. Collection method: clinical testing. Allele origin: germline.

Labcorp Genetics (formerly Invitae), Labcorp
Classification: Uncertain significance. Last evaluated: 2024-11-20. Review status: criteria provided, single submitter. Criteria: Invitae Variant Classification Sherloc (09022015). Collection method: clinical testing. Allele origin: germline.
Comment: This sequence change replaces proline, which is neutral and non-polar, with leucine, which is neutral and non-polar, at codon 349 of the CRAT protein (p.Pro349Leu). This variant is present in population databases (no rsID available, gnomAD 0.007%). This variant has not been reported in the literature in individuals affected with CRAT-related conditions. Invitae Evidence Modeling of protein sequence and biophysical properties (such as structural, functional, and spatial information, amino acid conservation, physicochemical variation, residue mobility, and thermodynamic stability) indicates that this missense variant is not expected to disrupt CRAT protein function with a negative predictive value of 80%. In summary, the available evidence is currently insufficient to determine the role of this variant in disease. Therefore, it has been classified as a Variant of Uncertain Significance.